The following is an entry in ClinVar:

NM_001242896.3(DEPDC5):c.2271del (p.Asp758fs)

Gene: DEPDC5 (DEP domain containing 5, GATOR1 subcomplex subunit; plus strand). Cytogenetic location: 22q12.3.
Variant type: Deletion.
Coding change: c.2271del on transcript NM_001242896.3 (MANE Select); coding-DNA position 2271, one base deleted (C; older notation c.2271delC).
Protein change: p.Asp758fs; shifts the reading frame from aspartic acid 758.
Molecular consequence: frameshift variant. On other transcripts: non-coding transcript variant (4).
Genome position (GRCh38, 1-based): chr22:31,837,072, C deleted; the last of 2 consecutive C bases (chr22:31,837,071-31,837,072); deleting either gives the same sequence. VCF-style (leftmost placement, unchanged base first): chr22-31837070-AC-A. GRCh37 (hg19) VCF-style: chr22-32233056-AC-A.
Other names: c.2244del, p.Asp749fs (NM_001136029.4, NM_001369903.1, NM_014662.6); c.2037del, p.Asp680fs (NM_001242897.2, NM_001363854.2, NM_001364319.2); c.2271del, p.Asp758fs (NM_001363852.2, NM_001364318.2, NM_001364320.2); c.2187del, p.Asp730fs (NM_001369901.1, NM_001369902.1); short protein forms D680fs, D730fs, D749fs, D758fs.
Identifiers: ClinVar variation 5019742 (VCV005019742.1).

ClinVar aggregate classification (germline): Likely pathogenic (1 of 4 stars; one submission).

Conditions:
Epilepsy, familial focal, with variable foci 1 (FFEVF1). Also called: DEPDC5-Related Epilepsy. Identifiers: MedGen C4551983, MONDO:0024556, OMIM 604364.
Developmental and epileptic encephalopathy 111 (DEE111). Identifiers: MedGen C5882690, MONDO:0957780, OMIM 620504.

Submission:

Juno Genomics, Hangzhou Juno Genomics, Inc
Classification: Likely pathogenic for Developmental and epileptic encephalopathy 111; Epilepsy, familial focal, with variable foci 1. Review status: criteria provided, single submitter. Criteria: ACMG Guidelines, 2015. Collection method: clinical testing. Allele origin: germline. Affected: yes.
Comment: Absent from controls (or at extremely low frequency if recessive) in Genome Aggregation Database.;Null variant in a gene where loss of function (LOF) is a known mechanism of disease.